The following is an entry in ClinVar:

ClinVar aggregate classification (germline): Uncertain significance (1 of 4 stars; one submission).

Conditions:
Cardiovascular phenotype. Identifiers: MedGen CN230736.

Submission:

Ambry Genetics
Classification: Uncertain significance for Cardiovascular phenotype. Last evaluated: 2025-06-21. Review status: criteria provided, single submitter. Criteria: Ambry Variant Classification Scheme 2023. Collection method: clinical testing. Allele origin: germline.
Comment: The p.H85N variant (also known as c.253C>A), located in coding exon 3 of the PTPN11 gene, results from a C to A substitution at nucleotide position 253. The histidine at codon 85 is replaced by asparagine, an amino acid with similar properties. This amino acid position is conserved. In addition, the in silico prediction for this alteration is inconclusive. Based on the available evidence, the clinical significance of this variant remains unclear.

NM_002834.5(PTPN11):c.253C>A (p.His85Asn)

Gene: PTPN11 (protein tyrosine phosphatase non-receptor type 11; plus strand). Cytogenetic location: 12q24.13.
Variant type: single nucleotide variant.
Coding change: c.253C>A on transcript NM_002834.5 (MANE Select); coding-DNA position 253, C replaced by A.
Protein change: p.His85Asn; replaces histidine 85 with asparagine.
Molecular consequence: missense variant.
Genome position (GRCh38, 1-based): chr12:112,450,433, C>A. VCF-style: chr12-112450433-C-A. GRCh37 (hg19) VCF-style: chr12-112888237-C-A.
Other names: c.253C>A, p.His85Asn (NM_001330437.2, NM_080601.3); c.250C>A, p.His84Asn (NM_001374625.1); short protein forms H85N, H84N.
Identifiers: ClinVar variation 4147348 (VCV004147348.1).